The following is an entry in ClinVar:

NM_005120.3(MED12):c.1555C>T (p.Arg519Trp)

Genes: MED12 (mediator complex subunit 12; plus strand), LOC126863275 (BRD4-independent group 4 enhancer GRCh37_chrX:70342400-70343599; plus strand). Cytogenetic location: Xq13.1.
Variant type: single nucleotide variant.
Coding change: c.1555C>T on transcript NM_005120.3 (MANE Select); coding-DNA position 1555, C replaced by T.
Protein change: p.Arg519Trp; replaces arginine 519 with tryptophan.
Molecular consequence: missense variant.
Genome position (GRCh38, 1-based): chrX:71,123,164, C>T. VCF-style: chrX-71123164-C-T. GRCh37 (hg19) VCF-style: chrX-70343014-C-T.
Other names: short protein forms R519W.
Identifiers: ClinVar variation 3730941 (VCV003730941.2).

ClinVar aggregate classification (germline): Uncertain significance (1 of 4 stars; one submission).

Submission:

GeneDx
Classification: Uncertain significance. Last evaluated: 2025-06-11. Review status: criteria provided, single submitter. Criteria: GeneDx Variant Classification Process June 2021. Collection method: clinical testing. Allele origin: germline.
Comment: Not observed at significant frequency in large population cohorts (gnomAD); In silico analysis supports that this missense variant has a deleterious effect on protein structure/function; Has not been previously published as pathogenic or benign to our knowledge